The following is an entry in ClinVar:

ClinVar aggregate classification (germline): Uncertain significance (1 of 4 stars; one submission).

Conditions:
Familial melanoma. Also called: Hereditary melanoma; Hereditary cutaneous melanoma. Identifiers: Orphanet 618, MedGen C1512419, MONDO:0018961.

Submission:

Labcorp Genetics (formerly Invitae), Labcorp
Classification: Uncertain significance for Familial melanoma. Last evaluated: 2022-12-14. Review status: criteria provided, single submitter. Criteria: Invitae Variant Classification Sherloc (09022015). Collection method: clinical testing. Allele origin: germline.
Comment: In summary, the available evidence is currently insufficient to determine the role of this variant in disease. Therefore, it has been classified as a Variant of Uncertain Significance. This sequence change replaces arginine, which is basic and polar, with proline, which is neutral and non-polar, at codon 181 of the CDK4 protein (p.Arg181Pro). This variant is not present in population databases (gnomAD no frequency). This variant has not been reported in the literature in individuals affected with CDK4-related conditions. ClinVar contains an entry for this variant (Variation ID: 1424624). Advanced modeling of protein sequence and biophysical properties (such as structural, functional, and spatial information, amino acid conservation, physicochemical variation, residue mobility, and thermodynamic stability) performed at Invitae indicates that this missense variant is expected to disrupt CDK4 protein function.

NM_000075.4(CDK4):c.542G>C (p.Arg181Pro)

Gene: CDK4 (cyclin dependent kinase 4; minus strand). Cytogenetic location: 12q14.1.
Variant type: single nucleotide variant.
Coding change: c.542G>C on transcript NM_000075.4 (MANE Select); coding-DNA position 542, G replaced by C.
Protein change: p.Arg181Pro; replaces arginine 181 with proline.
Molecular consequence: missense variant.
Genome position (GRCh38, 1-based): chr12:57,750,746, C>G on the plus strand (G>C on the coding strand, the complement: CDK4 is on the minus strand). VCF-style: chr12-57750746-C-G. GRCh37 (hg19) VCF-style: chr12-58144529-C-G.
Other names: short protein forms R181P.
Identifiers: ClinVar variation 1424624 (VCV001424624.8), dbSNP rs772079285, ClinGen allele CA385545939.